The following is an entry in ClinVar:

ClinVar aggregate classification (germline): Uncertain significance (1 of 4 stars; one submission).

Allele frequency attached by ClinVar (database versions not stated): gnomAD exomes below 0.00001.
gnomAD v4.1: 2 of 1,071,042 alleles (0.00019%); highest among the groups gnomAD compares: South Asian, 0.0058%; no homozygotes.

Submission:

GeneDx
Classification: Uncertain significance. Last evaluated: 2019-09-30. Review status: criteria provided, single submitter. Criteria: GeneDx Variant Classification Process June 2021. Collection method: clinical testing. Allele origin: germline. Affected: yes.
Comment: Not observed in large population cohorts (Lek et al., 2016); In silico analysis, which includes splice predictors and evolutionary conservation, supports that this variant does not alter protein structure/function; Has not been previously published as pathogenic or benign to our knowledge

NM_015215.4(CAMTA1):c.39C>T (p.Ser13=)

Gene: CAMTA1 (calmodulin binding transcription activator 1; plus strand). Cytogenetic location: 1p36.31.
Variant type: single nucleotide variant.
Coding change: c.39C>T on transcript NM_015215.4 (MANE Select); coding-DNA position 39, C replaced by T.
Protein change: p.Ser13=; no amino-acid change (serine 13 retained).
Molecular consequence: synonymous variant. On other transcripts: missense variant (2), non-coding transcript variant (4).
Genome position (GRCh38, 1-based): chr1:6,785,569, C>T. VCF-style: chr1-6785569-C-T. GRCh37 (hg19) VCF-style: chr1-6845629-C-T.
Other names: c.39C>T, p.Ser13= (NM_001195563.2, NM_001242701.2, NM_001349609.2 and 2 more transcripts); c.19C>T, p.Pro7Ser (NM_001349608.2, NM_001349612.2); short protein forms P7S.
Identifiers: ClinVar variation 1308813 (VCV001308813.2), dbSNP rs1174522704, ClinGen allele CA415976302.
Genomic context (GRCh38, chr1:6,785,569, plus strand): 5'-CCCGGTCGCGAGGAGGAGGAGGATGTGGCGCGCGGAGGGGAAATGGCTGCCGAAAACAAG[C>T]CGGAAGGTAAGAGCCGGAGCGCGAGGGGCTGGGGGGCGGCGCGGCGGGCGGCGGGACCCG-3'
Protein context (NP_056030.1, residues 3-23): RAEGKWLPKT[Ser13=]RKSVSQSVFC